The following is an entry in ClinVar:

NM_001083961.2(WDR62):c.2984C>G (p.Ser995Ter)

Gene: WDR62 (WD repeat domain 62; plus strand). Cytogenetic location: 19q13.12.
Variant type: single nucleotide variant.
Coding change: c.2984C>G on transcript NM_001083961.2 (MANE Select); coding-DNA position 2984, C replaced by G.
Protein change: p.Ser995Ter; replaces serine 995 with a stop codon.
Molecular consequence: nonsense. On other transcripts: intron variant (1).
Genome position (GRCh38, 1-based): chr19:36,101,676, C>G. VCF-style: chr19-36101676-C-G. GRCh37 (hg19) VCF-style: chr19-36592578-C-G.
Other names: c.2969C>G, p.Ser990Ter (NM_001411145.1); c.2633C>G, p.Ser878Ter (NM_001411147.1); c.2984C>G, p.Ser995Ter (NM_173636.5); c.2971+359C>G (NM_001411146.1); short protein forms S878*, S990*, S995*.
Identifiers: ClinVar variation 1806268 (VCV001806268.1), dbSNP rs2513758387, ClinGen allele CA405448981.

ClinVar aggregate classification (germline): Pathogenic (1 of 4 stars; one submission).

Conditions:
Microcephaly 2, primary, autosomal recessive, with or without cortical malformations. Also called: MICROCEPHALY 2, PRIMARY, AUTOSOMAL RECESSIVE, WITH CORTICAL MALFORMATIONS; WDR62 Primary Microcephaly. Identifiers: Orphanet 2512, MedGen C1858535, MONDO:0011435, OMIM 604317.

Submission:

Victorian Clinical Genetics Services, Murdoch Childrens Research Institute
Classification: Pathogenic for Microcephaly 2, primary, autosomal recessive, with or without cortical malformations. Last evaluated: 2020-05-21. Review status: criteria provided, single submitter. Criteria: ACMG Guidelines, 2015. Collection method: clinical testing. Allele origin: germline. Inheritance: Autosomal recessive inheritance. Affected: no.
Comment: A heterozygous nonsense variant was identified, NM_001083961.1(WDR62):c.2984C>G in exon 25 of 32 of the WDR62 gene. This variant is predicted to create an amino acid change from a serine to a stop at position 995 of the protein; NP_001077430.1(WDR62):p.(Ser995*), resulting in loss of normal protein function through nonsense-mediated decay (NMD). The variant is not present in the gnomAD population database, and has not been previously observed in clinical cases. Other variants predicted to cause NMD have been reported as pathogenic (ClinVar; Yu, T. et al. (2010)). Based on information available at the time of curation, this variant has been classified as PATHOGENIC.

Literature cited by the submitters: PubMed 20890278.